The following is an entry in ClinVar:

ClinVar aggregate classification (germline): Pathogenic (1 of 4 stars; one submission).

Submission:

Labcorp Genetics (formerly Invitae), Labcorp
Classification: Pathogenic. Last evaluated: 2023-04-21. Review status: criteria provided, single submitter. Criteria: Invitae Variant Classification Sherloc (09022015). Collection method: clinical testing. Allele origin: germline.
Comment: For these reasons, this variant has been classified as Pathogenic. This variant has not been reported in the literature in individuals affected with PCDH15-related conditions. This variant is not present in population databases (gnomAD no frequency). This sequence change creates a premature translational stop signal (p.Ser1241Profs*19) in the PCDH15 gene. It is expected to result in an absent or disrupted protein product. Loss-of-function variants in PCDH15 are known to be pathogenic (PMID: 11398101, 11487575, 14570705).

Literature cited by the submitters: PubMed 11398101; PubMed 11487575; PubMed 14570705.

NM_001384140.1(PCDH15):c.3721del (p.Ser1241fs)

Gene: PCDH15 (protocadherin related 15; minus strand). Cytogenetic location: 10q21.1.
Variant type: Deletion.
Coding change: c.3721del on transcript NM_001384140.1 (MANE Select); coding-DNA position 3721, one base deleted (T; older notation c.3721delT).
Protein change: p.Ser1241fs; shifts the reading frame from serine 1241.
Molecular consequence: frameshift variant.
Genome position (GRCh38, 1-based): chr10:53,857,260, A deleted on the plus strand (T on the coding strand, the reverse complement: PCDH15 is on the minus strand). VCF-style (leftmost placement, unchanged base first): chr10-53857259-GA-G. GRCh37 (hg19) VCF-style: chr10-55617019-GA-G.
Other names: c.3736del, p.Ser1246fs (NM_001142763.2, NM_001142771.2); c.3721del, p.Ser1241fs (NM_001142764.2, NM_001142766.2, NM_001142770.3 and 4 more transcripts); c.3508del, p.Ser1170fs (NM_001142765.2); c.3610del, p.Ser1204fs (NM_001142767.2); c.3655del, p.Ser1219fs (NM_001142768.2, NM_001142773.2, NM_001354404.2); c.3757delT, p.Ser1253Profs (NM_001142769.4); c.3742del, p.Ser1248fs (NM_001354411.2); short protein forms S1248fs, S1204fs, S1241fs, S1219fs, S1246fs, S1170fs, S1253fs.
Identifiers: ClinVar variation 2853718 (VCV002853718.3), dbSNP rs2493177626, ClinGen allele CA2739265404.